The following is an entry in ClinVar:

ClinVar aggregate classification (germline): Uncertain significance (1 of 4 stars; one submission).

Allele frequency attached by ClinVar (database versions not stated): gnomAD exomes below 0.00001; TOPMed below 0.00001.
gnomAD v4.1: 4 of 1,608,880 alleles (0.00025%); highest among the groups gnomAD compares: Admixed American, 0.0034%; no homozygotes.

Submission:

Labcorp Genetics (formerly Invitae), Labcorp
Classification: Uncertain significance. Last evaluated: 2024-01-11. Review status: criteria provided, single submitter. Criteria: Invitae Variant Classification Sherloc (09022015). Collection method: clinical testing. Allele origin: germline.
Comment: This sequence change replaces phenylalanine, which is neutral and non-polar, with leucine, which is neutral and non-polar, at codon 467 of the MMP14 protein (p.Phe467Leu). This variant is present in population databases (no rsID available, gnomAD 0.003%). This variant has not been reported in the literature in individuals affected with MMP14-related conditions. ClinVar contains an entry for this variant (Variation ID: 2070900). Advanced modeling of protein sequence and biophysical properties (such as structural, functional, and spatial information, amino acid conservation, physicochemical variation, residue mobility, and thermodynamic stability) performed at Invitae indicates that this missense variant is not expected to disrupt MMP14 protein function with a negative predictive value of 80%. In summary, the available evidence is currently insufficient to determine the role of this variant in disease. Therefore, it has been classified as a Variant of Uncertain Significance.

NM_004995.4(MMP14):c.1401C>G (p.Phe467Leu)

Gene: MMP14 (matrix metallopeptidase 14; plus strand). Cytogenetic location: 14q11.2.
Variant type: single nucleotide variant.
Coding change: c.1401C>G on transcript NM_004995.4 (MANE Select); coding-DNA position 1401, C replaced by G.
Protein change: p.Phe467Leu; replaces phenylalanine 467 with leucine.
Molecular consequence: missense variant.
Genome position (GRCh38, 1-based): chr14:22,845,350, C>G. VCF-style: chr14-22845350-C-G. GRCh37 (hg19) VCF-style: chr14-23314559-C-G.
Other names: short protein forms F467L.
Identifiers: ClinVar variation 2070900 (VCV002070900.4), dbSNP rs1168823031, ClinGen allele CA388934214.